The following is an entry in ClinVar:

NM_000222.3(KIT):c.2540C>G (p.Thr847Arg)

Gene: KIT (KIT proto-oncogene, receptor tyrosine kinase; plus strand). Cytogenetic location: 4q12.
Variant type: single nucleotide variant.
Coding change: c.2540C>G on transcript NM_000222.3 (MANE Select); coding-DNA position 2540, C replaced by G.
Protein change: p.Thr847Arg; replaces threonine 847 with arginine.
Molecular consequence: missense variant.
Genome position (GRCh38, 1-based): chr4:54,736,553, C>G. VCF-style: chr4-54736553-C-G. GRCh37 (hg19) VCF-style: chr4-55602719-C-G.
Other names: c.2528C>G, p.Thr843Arg (NM_001093772.2, NM_001385292.1); c.2543C>G, p.Thr848Arg (NM_001385284.1); c.2537C>G, p.Thr846Arg (NM_001385285.1); c.2525C>G, p.Thr842Arg (NM_001385286.1); c.2531C>G, p.Thr844Arg (NM_001385288.1); c.2540C>G, p.Thr847Arg (NM_001385290.1); short protein forms T843R, T846R, T842R, T848R, T844R, T847R.
Identifiers: ClinVar variation 3864550 (VCV003864550.1).

ClinVar aggregate classification (germline): Uncertain significance (1 of 4 stars; one submission).

Conditions:
Hereditary cancer-predisposing syndrome. Also called: Hereditary neoplastic syndrome; Neoplastic Syndromes, Hereditary; Tumor predisposition; Hereditary Cancer Syndrome. Identifiers: Orphanet 140162, MedGen C0027672, MeSH D009386, MONDO:0015356.

Submission:

Ambry Genetics
Classification: Uncertain significance for Hereditary cancer-predisposing syndrome. Last evaluated: 2025-02-22. Review status: criteria provided, single submitter. Criteria: Ambry Variant Classification Scheme 2023. Collection method: clinical testing. Allele origin: germline.
Comment: The p.T847R variant (also known as c.2540C>G), located in coding exon 18 of the KIT gene, results from a C to G substitution at nucleotide position 2540. The threonine at codon 847 is replaced by arginine, an amino acid with similar properties. This amino acid position is conserved. In addition, this alteration is predicted to be deleterious by in silico analysis. Based on the available evidence, the clinical significance of this variant remains unclear.